The following is an entry in ClinVar:

NM_001803.3(CD52):c.123A>G (p.Ile41Met)

Gene: CD52 (CD52 molecule; plus strand). Cytogenetic location: 1p36.11.
Variant type: single nucleotide variant.
Coding change: c.123A>G on transcript NM_001803.3 (MANE Select); coding-DNA position 123, A replaced by G.
Protein change: p.Ile41Met; replaces isoleucine 41 with methionine.
Molecular consequence: missense variant.
Genome position (GRCh38, 1-based): chr1:26,320,239, A>G. VCF-style: chr1-26320239-A-G. GRCh37 (hg19) VCF-style: chr1-26646730-A-G.
Other names: short protein forms I41M.
Identifiers: ClinVar variation 3059585 (VCV003059585.2), dbSNP rs17645, ClinGen allele CA703355.

ClinVar aggregate classification (germline): Benign (0 of 4 stars; one submission).

Conditions:
CD52-related disorder. Also called: CD52-related condition.

Allele frequency attached by ClinVar (database versions not stated): 1000 Genomes Project 0.58067; 1000 Genomes Project 30x 0.58885; ExAC 0.67110; TOPMed 0.69320; gnomAD 0.69454; gnomAD exomes 0.72793; ESP Exome Variant Server 0.73205.
gnomAD v4.1: 1,166,842 of 1,612,100 alleles (72%); highest among the groups gnomAD compares: Non-Finnish European, 76%; 428,050 homozygotes.

Submission:

PreventionGenetics, part of Exact Sciences
Classification: Benign for CD52-related condition. Last evaluated: 2019-09-24. Review status: no assertion criteria provided. Collection method: clinical testing. Allele origin: germline.
Comment: This variant is classified as benign based on ACMG/AMP sequence variant interpretation guidelines (Richards et al. 2015 PMID: 25741868, with internal and published modifications).